The following is an entry in ClinVar:

NM_003072.5(SMARCA4):c.4200C>A (p.Ile1400=)

Gene: SMARCA4 (SWI/SNF related BAF chromatin remodeling complex subunit ATPase 4; plus strand). Cytogenetic location: 19p13.2.
Variant type: single nucleotide variant.
Coding change: c.4200C>A on transcript NM_003072.5 (MANE Select); coding-DNA position 4200, C replaced by A.
Protein change: p.Ile1400=; no amino-acid change (isoleucine 1400 retained).
Molecular consequence: synonymous variant. On other transcripts: non-coding transcript variant (1).
Genome position (GRCh38, 1-based): chr19:11,041,336, C>A. VCF-style: chr19-11041336-C-A. GRCh37 (hg19) VCF-style: chr19-11152012-C-A.
Other names: c.4200C>A, p.Ile1400= (NM_001128844.3); c.4110C>A, p.Ile1370= (NM_001128845.2, NM_001128846.2); c.4101C>A, p.Ile1367= (NM_001128847.4, NM_001128848.2, NM_001374457.1); c.4296C>A, p.Ile1432= (NM_001128849.3, NM_001387283.1); c.4197C>A, p.Ile1399= (NM_001411150.1); c.4296C>A (NM_001128849.1).
Identifiers: ClinVar variation 4084758 (VCV004084758.8).

ClinVar aggregate classification (germline): Likely benign. Review status: criteria provided, multiple submitters, no conflicts (2 of 4 stars). 2 submissions from 2 submitters: Likely benign (2). Last evaluated 2026-02-02.

Conditions:
Hereditary cancer-predisposing syndrome. Also called: Neoplastic Syndromes, Hereditary; Tumor predisposition; Hereditary Cancer Syndrome; Hereditary neoplastic syndrome. Identifiers: Orphanet 140162, MedGen C0027672, MeSH D009386, MONDO:0015356.

gnomAD v4.1: 1 of 1,611,868 alleles (0.000062%); no homozygotes.

Submissions (2):

Ambry Genetics
Classification: Likely benign for Hereditary cancer-predisposing syndrome. Last evaluated: 2026-02-02. Review status: criteria provided, single submitter. Criteria: Ambry Variant Classification Scheme 2023. Collection method: clinical testing. Allele origin: germline.

CeGaT Center for Human Genetics Tuebingen
Classification: Likely benign. Last evaluated: 2025-08-01. Review status: criteria provided, single submitter. Criteria: CeGaT Center For Human Genetics Tuebingen Variant Classification Criteria Version 2. Collection method: clinical testing. Allele origin: germline. Affected: yes. Observed: 1 variant allele.
Comment: SMARCA4: BP4, BP7